The following is an entry in ClinVar:

ClinVar aggregate classification (germline): Conflicting classifications of pathogenicity. Review status: criteria provided, conflicting classifications (1 of 4 stars). 11 submissions from 11 submitters: Uncertain significance (10); Benign (1). Last evaluated 2026-05-07.

Conditions:
BARD1-related cancer predisposition. Identifiers: MedGen CN377756, MONDO:0700267.
BARD1-related disorder. Also called: BARD1-related condition.
Hereditary cancer-predisposing syndrome. Also called: Neoplastic Syndromes, Hereditary; Tumor predisposition; Hereditary Cancer Syndrome; Hereditary neoplastic syndrome. Identifiers: Orphanet 140162, MedGen C0027672, MeSH D009386, MONDO:0015356.
Ovarian cancer. Also called: OVARIAN CANCER, SOMATIC. Identifiers: Orphanet 213500, MedGen C1140680, MONDO:0008170, OMIM 167000.
Familial cancer of breast. Also called: hereditary breast carcinoma; BREAST CANCER, FAMILIAL; Hereditary breast cancer. Identifiers: Orphanet 227535, MedGen C0346153, MONDO:0016419, OMIM 114480. Disease mechanism: loss of function.

Allele frequency attached by ClinVar (database versions not stated): gnomAD 0.00001 and 0.00004; TOPMed 0.00001; 1000 Genomes Project 30x 0.00047; 1000 Genomes Project 0.00060.
gnomAD v4.1: 29 of 1,613,668 alleles (0.0018%); highest among the groups gnomAD compares: East Asian, 0.02%; no homozygotes.

Submissions (11):

PreventionGenetics, part of Exact Sciences
Classification: Uncertain significance for BARD1-related condition. Last evaluated: 2026-05-07. Review status: criteria provided, single submitter. Criteria: ACMG Guidelines, 2015. Collection method: clinical testing. Allele origin: germline.
Comment: The BARD1 c.1601C>T variant is predicted to result in the amino acid substitution p.Thr534Ile. This variant has been reported in individuals with breast and/or ovarian cancer and clinical features consistent with Lynch syndrome (Chan et al 2018. PubMed ID: 30093976; table S2 Yurgelun et al 2015. PubMed ID: 25980754; Fu et al. 2024. PubMed ID: 38509102; George et al. 2021. PubMed ID: 33646313). This variant is reported in 0.025% of alleles in individuals of East Asian descent in gnomAD and has conflicting interpretations in ClinVar ranging from benign to uncertain (Variation ID: 219779). Although we suspect that this variant may be benign, at this time, the clinical significance of this variant is uncertain due to the absence of conclusive functional and genetic evidence.

Labcorp Genetics (formerly Invitae), Labcorp
Classification: Uncertain significance for Familial cancer of breast. Last evaluated: 2026-01-27. Review status: criteria provided, single submitter. Criteria: Invitae Variant Classification Sherloc (09022015). Collection method: clinical testing. Allele origin: germline.
Comment: This sequence change replaces threonine, which is neutral and polar, with isoleucine, which is neutral and non-polar, at codon 534 of the BARD1 protein (p.Thr534Ile). This variant is present in population databases (rs374293292, gnomAD 0.03%). This missense change has been observed in individual(s) with breast cancer (PMID: 25980754, 30093976, 33646313). ClinVar contains an entry for this variant (Variation ID: 219779). An algorithm developed to predict the effect of missense changes on protein structure and function (PolyPhen-2) suggests that this variant is likely to be tolerated. In summary, the available evidence is currently insufficient to determine the role of this variant in disease. Therefore, it has been classified as a Variant of Uncertain Significance.

Color Diagnostics, LLC DBA Color Health
Classification: Uncertain significance for Hereditary cancer-predisposing syndrome. Last evaluated: 2025-11-13. Review status: criteria provided, single submitter. Criteria: ACMG Guidelines, 2015. Collection method: clinical testing. Allele origin: germline.
Comment: This missense variant replaces threonine with isoleucine at codon 534 of the BARD1 protein. Computational prediction suggests that this variant may not impact protein structure and function. To our knowledge, functional studies have not been reported for this variant. This variant has been reported in an individuals affected with breast cancer (PMID: 30093976DOI:10.1200/JCO.2022.40.16_suppl.e22525) and in an individual affected with a Lynch syndrome-associated cancer and/or polyps (PMID: 25980754). This variant has been identified in 8/282714 chromosomes in the general population by the Genome Aggregation Database (gnomAD). The available evidence is insufficient to determine the role of this variant in disease conclusively. Therefore, this variant is classified as a Variant of Uncertain Significance.

Molecular Pathology, Peter Maccallum Cancer Centre
Classification: Uncertain significance for BARD1-related cancer predisposition. Last evaluated: 2025-04-29. Review status: criteria provided, single submitter. Criteria: ACMG Guidelines, 2015. Collection method: clinical testing. Allele origin: germline. Inheritance: Autosomal dominant inheritance.

Ambry Genetics
Classification: Uncertain significance for Hereditary cancer-predisposing syndrome. Last evaluated: 2024-11-01. Review status: criteria provided, single submitter. Criteria: Ambry Variant Classification Scheme 2023. Collection method: clinical testing. Allele origin: germline.
Comment: The p.T534I variant (also known as c.1601C>T), located in coding exon 7 of the BARD1 gene, results from a C to T substitution at nucleotide position 1601. The threonine at codon 534 is replaced by isoleucine, an amino acid with similar properties. This alteration was detected once in a cohort of 1191 Asian cancer patients undergoing testing for hereditary cancer predisposition (Chan GHJ et al. Oncotarget, 2018 Jul;9:30649-30660). This amino acid position is poorly conserved in available vertebrate species. In addition, the in silico prediction for this alteration is inconclusive. Based on the available evidence, the clinical significance of this variant remains unclear.

GeneDx
Classification: Uncertain significance. Last evaluated: 2024-08-25. Review status: criteria provided, single submitter. Criteria: GeneDx Variant Classification Process June 2021. Collection method: clinical testing. Allele origin: germline.
Comment: In silico analysis indicates that this missense variant does not alter protein structure/function; Observed in two individuals with bilateral retinoblastoma who both harbored a germline RB1 variant and another variant in BARD1 p.(R731C) on the same allele (in cis) (PMID: 36173648); This variant is associated with the following publications: (PMID: 25980754, Wang2022[abstract], 30093976, 33646313, 32091409, 18480049, 36173648)

Quest Diagnostics Nichols Institute San Juan Capistrano
Classification: Uncertain significance. Last evaluated: 2024-07-01. Review status: criteria provided, single submitter. Criteria: Quest Diagnostics criteria. Collection method: clinical testing. Allele origin: unknown.
Comment: The BARD1 c.1601C>T (p.Thr534Ile) variant has been reported in the published literature in individuals with breast cancer (PMID: 33646313 (2021), 30093976 (2018) and a Lynch Syndrome associated cancer and/or polyps (PMID: 25980754 (2015)). In a large-scale breast cancer association study, the variant was observed in individuals with breast cancer as well as in unaffected controls (PMID: 33471991 (2021), see also LOVD)). The frequency of this variant in the general population, 0.00025 (5/19952 chromosomes in East Asian subpopulation (Genome Aggregation Database)), is higher than would generally be expected for pathogenic variants in this gene. Analysis of this variant using bioinformatics tools for the prediction of the effect of amino acid changes on protein structure and function yielded predictions that this variant is benign. Based on the available information, we are unable to determine the clinical significance of this variant.

Fulgent Genetics
Classification: Uncertain significance for Familial cancer of breast. Last evaluated: 2024-05-31. Review status: criteria provided, single submitter. Criteria: ACMG Guidelines, 2015. Collection method: clinical testing. Allele origin: germline.

Laboratory of Molecular Epidemiology of Birth Defects, West China Second University Hospital, Sichuan University
Classification: Benign for Ovarian cancer. Last evaluated: 2022-01-01. Review status: criteria provided, single submitter. Criteria: ACMG Guidelines, 2015. Collection method: clinical testing. Allele origin: germline. Affected: yes.

Sema4
Classification: Uncertain significance for Hereditary cancer-predisposing syndrome. Last evaluated: 2021-06-12. Review status: criteria provided, single submitter. Criteria: Sema4 Curation Guidelines. Collection method: curation. Allele origin: germline.
Comment: The BARD1 c.1601C>T (p.T534I) variant has been reported in heterozygosity in at least 1 individual with breast cancer and 1 individual with Lynch Syndrome (PMID: 30093976, 25980754). These individuals were also reported to carry the BARD1 missense variant c.2191C>T (p.R731C). This variant was observed in 5/19952 chromosomes in the East Asian population, according to the Genome Aggregation Database (PMID: 32461654). This variant has been reported in ClinVar (Variation ID: 219779). In silico tools suggest the impact of the variant on protein function is inconclusive though these predictions have not been confirmed by functional studies. The overall evidence is inconsistent with ACMG/AMP requirements for a classification of benign or pathogenic. In summary, the clinical significance of this variant is currently uncertain.

Department of Pathology and Laboratory Medicine, Sinai Health System
Classification: Uncertain significance for Familial cancer of breast. Last evaluated: 2021-01-07. Review status: criteria provided, single submitter. Criteria: ACMG Guidelines, 2015. Collection method: clinical testing. Allele origin: germline. Affected: yes.

Literature cited by the submitters: PubMed 25980754 (cited by 6 submitters); PubMed 30093976 (cited by 6 submitters); PubMed 33646313 (cited by 3 submitters); PubMed 38509102 (cited by Ambry Genetics); PubMed 33471991 (cited by Quest Diagnostics Nichols Institute San Juan Capistrano).

NM_000465.4(BARD1):c.1601C>T (p.Thr534Ile)

Gene: BARD1 (BRCA1 associated RING domain 1; minus strand). Cytogenetic location: 2q35.
Variant type: single nucleotide variant.
Coding change: c.1601C>T on transcript NM_000465.4 (MANE Select); coding-DNA position 1601, C replaced by T.
Protein change: p.Thr534Ile; replaces threonine 534 with isoleucine.
Molecular consequence: missense variant. On other transcripts: non-coding transcript variant (3), intron variant (1).
Genome position (GRCh38, 1-based): chr2:214,752,523, G>A on the plus strand (C>T on the coding strand, the complement: BARD1 is on the minus strand). VCF-style: chr2-214752523-G-A. GRCh37 (hg19) VCF-style: chr2-215617247-G-A.
Other names: c.1544C>T, p.Thr515Ile (NM_001282543.2); c.248C>T, p.Thr83Ile (NM_001282545.2); c.191C>T, p.Thr64Ile (NM_001282548.2); c.365-22015C>T (NM_001282549.2); short protein forms T534I, T515I, T64I, T83I.
Identifiers: ClinVar variation 219779 (VCV000219779.31), dbSNP rs374293292, ClinGen allele CA350610.